The following is an entry in ClinVar:

NM_001347721.2(DYRK1A):c.638-1340A>G

Gene: DYRK1A (dual specificity tyrosine phosphorylation regulated kinase 1A; plus strand). Cytogenetic location: 21q22.13.
Variant type: single nucleotide variant.
Coding change: c.638-1340A>G on transcript NM_001347721.2 (MANE Select); 1340 bases into the intron before coding-DNA position 638, A replaced by G.
Molecular consequence: intron variant.
Genome position (GRCh38, 1-based): chr21:37,488,835, A>G. VCF-style: chr21-37488835-A-G. GRCh37 (hg19) VCF-style: chr21-38861137-A-G.
Other names: c.665-1340A>G (NM_001396.5, NM_101395.2, NM_130438.2); c.638-1340A>G (NM_001347722.2, NM_130436.2); c.551-1340A>G (NM_001347723.2).
Identifiers: ClinVar variation 4855441 (VCV004855441.1).
Genomic context (GRCh38, chr21:37,488,835, plus strand): 5'-GAATTCTGACAGCAGTTACTTTTTGCATTCATTTAGTGGCACCTGCTTAACCAGGAGATT[A>G]AAAGCCATCCACAGACCATGATTGTGAGGTATCATGGAACTATGTTTTTAGTTTTAAACC-3'

ClinVar aggregate classification (germline): Uncertain significance (1 of 4 stars; one submission).

Conditions:
DYRK1A-related intellectual disability syndrome (MRD7). Also called: Intellectual developmental disorder, autosomal dominant 7; DYRK1A Syndrome. Identifiers: Orphanet 464306, MedGen C5568143, MONDO:0013578, OMIM 614104.

Submission:

3billion
Classification: Uncertain significance for DYRK1A-related intellectual disability syndrome. Last evaluated: 2025-12-17. Review status: criteria provided, single submitter. Criteria: ACMG Guidelines, 2015. Collection method: clinical testing. Allele origin: germline. Affected: yes.
Comment: The variant is not observed in the gnomAD v4.1.0 dataset. Predicted Consequence/Location: Intron variant In silico tools predict the variant to alter splicing and produce an abnormal transcript [SpliceAI: 0.20 (>=0.2, moderate evidence for spliceogenicity)]. Therefore, this variant is classified as VUS according to the recommendation of ACMG/AMP guideline.